The following is an entry in ClinVar:

ClinVar aggregate classification (germline): Benign/Likely benign. Review status: criteria provided, multiple submitters, no conflicts (2 of 4 stars). 7 submissions from 7 submitters: Benign (3); Likely benign (3). 1 of the submissions does not count toward it. Last evaluated 2026-02-04.

Conditions:
Donnai-Barrow syndrome. Also called: DBS/FOAR SYNDROME; FACIOOCULOACOUSTICORENAL SYNDROME. Identifiers: Orphanet 2143, MedGen C1857277, MONDO:0009104, OMIM 222448.

Allele frequency attached by ClinVar (database versions not stated): gnomAD exomes 0.00249; ExAC 0.00303; ESP Exome Variant Server 0.00923; gnomAD 0.00952 and 0.01021; TOPMed 0.01098; 1000 Genomes Project 30x 0.01187; 1000 Genomes Project 0.01198.
gnomAD v4.1: 2,743 of 1,613,896 alleles (0.17%); highest among the groups gnomAD compares: African/African-American, 3.1%; 41 homozygotes.

Submissions (7):

Labcorp Genetics (formerly Invitae), Labcorp
Classification: Benign. Last evaluated: 2026-02-04. Review status: criteria provided, single submitter. Criteria: Invitae Variant Classification Sherloc (09022015). Collection method: clinical testing. Allele origin: germline.

Fulgent Genetics
Classification: Likely benign for Donnai-Barrow syndrome. Last evaluated: 2021-09-28. Review status: criteria provided, single submitter. Criteria: ACMG Guidelines, 2015. Collection method: clinical testing. Allele origin: unknown.

Genome-Nilou Lab
Classification: Benign for Donnai-Barrow syndrome. Last evaluated: 2021-07-15. Review status: criteria provided, single submitter. Criteria: ACMG Guidelines, 2015. Collection method: clinical testing. Allele origin: germline. Affected: no.

GeneDx
Classification: Likely benign. Last evaluated: 2021-04-15. Review status: criteria provided, single submitter. Criteria: GeneDx Variant Classification Process June 2021. Collection method: clinical testing. Allele origin: germline. Affected: yes.

Illumina Laboratory Services, Illumina
Classification: Benign for Donnai-Barrow syndrome. Last evaluated: 2018-01-13. Review status: criteria provided, single submitter. Criteria: ICSL Variant Classification Criteria 13 December 2019. Collection method: clinical testing. Allele origin: germline.
Comment: This variant was observed in the ICSL laboratory as part of a predisposition screen in an ostensibly healthy population. It had not been previously curated by ICSL or reported in the Human Gene Mutation Database (HGMD: prior to June 1st, 2018), and was therefore a candidate for classification through an automated scoring system. Utilizing variant allele frequency, disease prevalence and penetrance estimates, and inheritance mode, an automated score was calculated to assess if this variant is too frequent to cause the disease. Based on the score and internal cut-off values, a variant classified as benign is not then subjected to further curation. The score for this variant resulted in a classification of benign for this disease.

Breakthrough Genomics
Classification: Likely benign. Review status: criteria provided, single submitter. Criteria: ACMG Guidelines, 2015. Collection method: not provided. Allele origin: germline. Inheritance: Autosomal recessive inheritance. Affected: yes.

Genetic Services Laboratory, University of Chicago
Classification: Likely benign for AllHighlyPenetrant. Review status: no assertion criteria provided. Collection method: clinical testing. Allele origin: germline. Inheritance: Autosomal recessive inheritance. Not counted in ClinVar's aggregate classification.
Comment: Likely benign based on allele frequency in 1000 Genomes Project or ESP global frequency and its presence in a patient with a rare or unrelated disease phenotype. NOT Sanger confirmed.

NM_004525.3(LRP2):c.9033-8T>C

Gene: LRP2 (LDL receptor related protein 2; minus strand). Cytogenetic location: 2q31.1.
Variant type: single nucleotide variant.
Coding change: c.9033-8T>C on transcript NM_004525.3 (MANE Select); 8 bases into the intron before coding-DNA position 9033, T replaced by C.
Molecular consequence: intron variant.
Genome position (GRCh38, 1-based): chr2:169,188,273, A>G on the plus strand (T>C on the coding strand, the complement: LRP2 is on the minus strand). VCF-style: chr2-169188273-A-G. GRCh37 (hg19) VCF-style: chr2-170044783-A-G.
Identifiers: ClinVar variation 129543 (VCV000129543.24), dbSNP rs140148483, ClinGen allele CA153617.